The following is an entry in ClinVar:

NM_001697.3(ATP5PO):c.449AAG[1] (p.Glu151del)

Gene: ATP5PO (ATP synthase peripheral stalk subunit OSCP; minus strand). Cytogenetic location: 21q22.11.
Variant type: Microsatellite.
Coding change: c.449AAG[1] on transcript NM_001697.3 (MANE Select); one copy of the 3-base unit AAG starting at c.449; the reference has two copies in a row; one copy, 3 bases deleted.
Protein change: p.Glu151del; deletes glutamic acid 151.
Genome position (GRCh38, 1-based): chr21:33,904,009-33,904,011, CTT deleted on the plus strand (AAG on the coding strand, the reverse complement: ATP5PO is on the minus strand); deleting any 3 consecutive bases within chr21:33,904,009-33,904,016 gives the same sequence; the position shown is the placement nearest the transcript's 3' end. VCF-style (leftmost placement, unchanged base first): chr21-33904008-GCTT-G. GRCh37 (hg19) VCF-style: chr21-35276312-GCTT-G.
Other names: short protein forms E151del.
Identifiers: ClinVar variation 5041241 (VCV005041241.1).

ClinVar aggregate classification (germline): Uncertain significance (1 of 4 stars; one submission).

Submission:

CeGaT Center for Human Genetics Tuebingen
Classification: Uncertain significance. Last evaluated: 2026-09-01. Review status: criteria provided, single submitter. Criteria: CeGaT Center For Human Genetics Tuebingen Variant Classification Criteria Version 2. Collection method: clinical testing. Allele origin: germline. Affected: yes. Observed: 1 variant allele.
Comment: ATP5PO: PM2, PM4